The following is an entry in ClinVar:

NM_138413.4(HOGA1):c.158del (p.Asp53fs)

Gene: HOGA1 (4-hydroxy-2-oxoglutarate aldolase 1; plus strand). Cytogenetic location: 10q24.2.
Variant type: Deletion.
Coding change: c.158del on transcript NM_138413.4 (MANE Select); coding-DNA position 158, one base deleted (A; older notation c.158delA).
Protein change: p.Asp53fs; shifts the reading frame from aspartic acid 53.
Molecular consequence: frameshift variant.
Genome position (GRCh38, 1-based): chr10:97,584,861, A deleted. VCF-style (leftmost placement, unchanged base first): chr10-97584860-GA-G. GRCh37 (hg19) VCF-style: chr10-99344617-GA-G.
Other names: NP_612422.2:p.53fs; c.158del, p.Asp53fs (NM_001134670.2); short protein forms D53fs.
Identifiers: ClinVar variation 204287 (VCV000204287.7), dbSNP rs796052091, ClinGen allele CA203983.
Genomic context (GRCh38, chr10:97,584,860, plus strand): 5'-GTGGACATTGCGGGTATCTACCCCCCTGTGACCACCCCCTTCACTGCCACTGCAGAGGTG[GA>G]CTATGGGAAACTGGAGGAGAATCTGCACAAACTGGGCACCTTCCCCTTCCGAGGTAAGTG-3'

ClinVar aggregate classification (germline): Pathogenic. Review status: criteria provided, multiple submitters, no conflicts (2 of 4 stars). 3 submissions from 3 submitters: Pathogenic (2). 1 of the submissions does not count toward it. Last evaluated 2024-03-08.

Conditions:
Primary hyperoxaluria type 3. Also called: PH III. Identifiers: Orphanet 416, Orphanet 93600, MedGen C3150878, MONDO:0013327, OMIM 613616. Disease mechanism: loss of function.

Submissions (3):

Fulgent Genetics
Classification: Pathogenic for Primary hyperoxaluria type 3. Last evaluated: 2024-03-08. Review status: criteria provided, single submitter. Criteria: ACMG Guidelines, 2015. Collection method: clinical testing. Allele origin: germline.

Labcorp Genetics (formerly Invitae), Labcorp
Classification: Pathogenic. Last evaluated: 2023-12-19. Review status: criteria provided, single submitter. Criteria: Invitae Variant Classification Sherloc (09022015). Collection method: clinical testing. Allele origin: germline.
Comment: This sequence change creates a premature translational stop signal (p.Asp53Alafs*32) in the HOGA1 gene. It is expected to result in an absent or disrupted protein product. Loss-of-function variants in HOGA1 are known to be pathogenic (PMID: 22391140, 22781098). This variant is not present in population databases (gnomAD no frequency). This premature translational stop signal has been observed in individual(s) with clinical features of primary hyperoxalurias (PMID: 25629080). ClinVar contains an entry for this variant (Variation ID: 204287). For these reasons, this variant has been classified as Pathogenic.

Clinical Biochemistry Laboratory, Health Services Laboratory
Classification: Pathogenic for Primary hyperoxaluria, type III. Last evaluated: 2014-11-27. Review status: no assertion criteria provided. Collection method: research. Allele origin: germline. Affected: yes. Not counted in ClinVar's aggregate classification.

Literature cited by the submitters: PubMed 22391140 (cited by Labcorp Genetics (formerly Invitae), Labcorp); PubMed 22781098 (cited by Labcorp Genetics (formerly Invitae), Labcorp); PubMed 25629080 (cited by Labcorp Genetics (formerly Invitae), Labcorp).